The following is an entry in ClinVar:

NM_001042492.3(NF1):c.4958G>A (p.Arg1653His)

Gene: NF1 (neurofibromin 1; plus strand). Cytogenetic location: 17q11.2.
Variant type: single nucleotide variant.
Coding change: c.4958G>A on transcript NM_001042492.3 (MANE Select); coding-DNA position 4958, G replaced by A.
Protein change: p.Arg1653His; replaces arginine 1653 with histidine.
Molecular consequence: missense variant.
Genome position (GRCh38, 1-based): chr17:31,325,942, G>A. VCF-style: chr17-31325942-G-A. GRCh37 (hg19) VCF-style: chr17-29652960-G-A.
Other names: c.4895G>A, p.Arg1632His (NM_000267.4); short protein forms R1632H, R1653H.
Identifiers: ClinVar variation 232671 (VCV000232671.16), dbSNP rs763413441, ClinGen allele CA8487123.
Genomic context (GRCh38, chr17:31,325,942, plus strand): 5'-CATATTATGCAAAGCCATATGAAATTGTAGTGGACCTTACCCATACCGGGCCTAGCAATC[G>A]CTTTAAAACAGACTTTCTCTCTAAGTGGTTTGTTGTTTTTCCTGGCTTTGCTTACGACAA-3'
Protein context (NP_001035957.1, residues 1643-1663): VDLTHTGPSN[Arg1653His]FKTDFLSKWF

ClinVar aggregate classification (germline): Conflicting classifications of pathogenicity. Review status: criteria provided, conflicting classifications (1 of 4 stars). 8 submissions from 7 submitters: Uncertain significance (6); Likely benign (2). Last evaluated 2025-12-24.

Conditions:
Cardiovascular phenotype. Identifiers: MedGen CN230736.
Hereditary cancer-predisposing syndrome. Also called: Hereditary Cancer Syndrome; Neoplastic Syndromes, Hereditary; Tumor predisposition; Hereditary neoplastic syndrome. Identifiers: Orphanet 140162, MedGen C0027672, MeSH D009386, MONDO:0015356.
Neurofibromatosis, type 1 (NF1). Also called: Neurofibromatosis, type I; VON RECKLINGHAUSEN DISEASE; NEUROFIBROMATOSIS, TYPE I, SOMATIC; Peripheral type neurofibromatosis. Identifiers: Orphanet 636, MedGen C0027831, MONDO:0018975, OMIM 162200. Disease mechanism: loss of function.
Café-au-lait macules with pulmonary stenosis (WTSN). Also called: PULMONIC STENOSIS WITH CAFE-AU-LAIT SPOTS. Identifiers: MedGen C0553586, MONDO:0008672, OMIM 193520.
Juvenile myelomonocytic leukemia (JMML). Also called: LEUKEMIA, JUVENILE MYELOMONOCYTIC, SOMATIC. Identifiers: Orphanet 86834, MedGen C0349639, MONDO:0011908, OMIM 607785, HP:0012209.
Neurofibromatosis-Noonan syndrome (NFNS). Also called: NEUROFIBROMATOSIS WITH NOONAN PHENOTYPE. Identifiers: Orphanet 638, MedGen C2931482, MONDO:0011035, OMIM 601321. Disease mechanism: loss of function.
Neurofibromatosis, familial spinal (FSNF). Identifiers: Orphanet 636, MedGen C1834235, MONDO:0008078, OMIM 162210. Disease mechanism: loss of function.

Allele frequency attached by ClinVar (database versions not stated): gnomAD exomes below 0.00001 and 0.00002; ExAC 0.00002.
gnomAD v4.1: 6 of 1,614,162 alleles (0.00037%); highest among the groups gnomAD compares: South Asian, 0.0011%; no homozygotes.

Submissions (8):

Labcorp Genetics (formerly Invitae), Labcorp
Classification: Likely benign for Neurofibromatosis, type 1. Last evaluated: 2025-12-24. Review status: criteria provided, single submitter. Criteria: Invitae Variant Classification Sherloc (09022015). Collection method: clinical testing. Allele origin: germline.

Quest Diagnostics Nichols Institute San Juan Capistrano
Classification: Uncertain significance. Last evaluated: 2025-10-11. Review status: criteria provided, single submitter. Criteria: Quest Diagnostics criteria. Collection method: clinical testing. Allele origin: unknown.

Fulgent Genetics
Classification: Uncertain significance for Neurofibromatosis, type 1; Neurofibromatosis, familial spinal; Café-au-lait macules with pulmonary stenosis; Neurofibromatosis-Noonan syndrome; Juvenile myelomonocytic leukemia. Last evaluated: 2024-05-22. Review status: criteria provided, single submitter. Criteria: ACMG Guidelines, 2015. Collection method: clinical testing. Allele origin: germline.

Ambry Genetics
Classification: Likely benign for Cardiovascular phenotype; Hereditary cancer-predisposing syndrome. Last evaluated: 2023-06-09. Review status: criteria provided, single submitter. Criteria: Ambry Variant Classification Scheme 2023. Collection method: clinical testing. Allele origin: germline.

Women's Health and Genetics/Laboratory Corporation of America, LabCorp
Classification: Uncertain significance. Last evaluated: 2023-05-08. Review status: criteria provided, single submitter. Criteria: LabCorp Variant Classification Summary - May 2015. Collection method: clinical testing. Allele origin: germline.
Comment: Variant summary: NF1 c.4895G>A (p.Arg1632His) results in a non-conservative amino acid change located in the CRAL-TRIO lipid binding domain (IPR001251) of the encoded protein sequence. Four of five in-silico tools predict a damaging effect of the variant on protein function. The variant allele was found at a frequency of 2e-05 in 251352 control chromosomes. The available data on variant occurrences in the general population are insufficient to allow any conclusion about variant significance. To our knowledge, no occurrence of c.4895G>A in individuals affected with Neurofibromatosis Type 1 and no experimental evidence demonstrating its impact on protein function have been reported. Four clinical diagnostic laboratories have submitted clinical-significance assessments for this variant to ClinVar after 2014 without evidence for independent evaluation. All laboratories classified the variant as uncertain significance. Based on the evidence outlined above, the variant was classified as uncertain significance.

Genome-Nilou Lab
Classification: Uncertain significance for Neurofibromatosis, type 1. Last evaluated: 2022-03-15. Review status: criteria provided, single submitter. Criteria: ACMG Guidelines, 2015. Collection method: clinical testing. Allele origin: germline. Affected: no.

Athena Diagnostics
Classification: Uncertain significance. Last evaluated: 2020-10-09. Review status: criteria provided, single submitter. Criteria: Athena Diagnostics criteria. Collection method: clinical testing. Allele origin: unknown.

Ambry Genetics
Classification: Uncertain significance for Hereditary cancer-predisposing syndrome. Last evaluated: 2015-06-29. Review status: criteria provided, single submitter. Criteria: Ambry Autosomal Dominant and X-Linked criteria (10/2015). Collection method: clinical testing. Allele origin: germline. Observed: 1 variant allele.
Comment: The p.R1653H variant (also known as c.4958G>A), located in coding exon 37 of the NF1 gene, results from a G to A substitution at nucleotide position 4958. The arginine at codon 1653 is replaced by histidine, an amino acid with highly similar properties. This variant was not reported in population based cohorts in the following databases: Database of Single Nucleotide Polymorphisms (dbSNP), NHLBI Exome Sequencing Project (ESP), and 1000 Genomes Project. In the ESP, this variant was not observed in 6503 samples (13006 alleles) with coverage at this position. To date, this alteration has been detected with an allele frequency of approximately 0.002% (greater than 55000alleles tested) in our clinical cohort.This amino acid position is highly conserved in available vertebrate species. In addition, this alteration is predicted to be deleterious by in silico analysis.Since supporting evidence is limited at this time, the clinical significance of p.R1653Hremains unclear.